The following is an entry in ClinVar:

NM_014915.3(ANKRD26):c.4625C>G (p.Thr1542Ser)

Gene: ANKRD26 (ankyrin repeat domain 26; minus strand). Cytogenetic location: 10p12.1.
Variant type: single nucleotide variant.
Coding change: c.4625C>G on transcript NM_014915.3 (MANE Select); coding-DNA position 4625, C replaced by G.
Protein change: p.Thr1542Ser; replaces threonine 1542 with serine.
Molecular consequence: missense variant.
Genome position (GRCh38, 1-based): chr10:27,014,593, G>C on the plus strand (C>G on the coding strand, the complement: ANKRD26 is on the minus strand). VCF-style: chr10-27014593-G-C. GRCh37 (hg19) VCF-style: chr10-27303522-G-C.
Other names: c.4622C>G, p.Thr1541Ser (NM_001256053.2); short protein forms T1541S, T1542S.
Identifiers: ClinVar variation 4826401 (VCV004826401.1).

ClinVar aggregate classification (germline): Uncertain significance (1 of 4 stars; one submission).

Conditions:
Inborn genetic diseases. Identifiers: MedGen C0950123, MeSH D030342.

gnomAD v4.1: 1 of 1,610,322 alleles (0.000062%); highest among the groups gnomAD compares: Non-Finnish European, 0.000085%; no homozygotes.

Submission:

Ambry Genetics
Classification: Uncertain significance for Inborn genetic diseases. Last evaluated: 2026-02-23. Review status: criteria provided, single submitter. Criteria: Ambry Variant Classification Scheme 2023. Collection method: clinical testing. Allele origin: germline.
Comment: The p.T1542S variant (also known as c.4625C>G), located in coding exon 31 of the ANKRD26 gene, results from a C to G substitution at nucleotide position 4625. The threonine at codon 1542 is replaced by serine, an amino acid with similar properties. This amino acid position is conserved. In addition, this alteration is predicted to be tolerated by in silico analysis. Based on the available evidence, the clinical significance of this variant remains unclear.